The following is an entry in ClinVar:

ClinVar aggregate classification (germline): Benign. Review status: reviewed by expert panel (3 of 4 stars). 17 submissions from 17 submitters: Benign (1). 16 of the submissions do not count toward it. Last evaluated 2019-06-18.

Conditions:
NICE approved PARP inhibitor treatment.
Hereditary cancer-predisposing syndrome. Also called: Hereditary Cancer Syndrome; Tumor predisposition; Neoplastic Syndromes, Hereditary; Hereditary neoplastic syndrome. Identifiers: Orphanet 140162, MedGen C0027672, MeSH D009386, MONDO:0015356.
Hereditary breast ovarian cancer syndrome. Also called: Breast and ovarian cancer; BRCA1- and BRCA2-Associated Hereditary Breast and Ovarian Cancer; Hereditary breast and ovarian cancer; Hereditary breast and ovarian cancer syndrome (HBOC); Hereditary breast and ovarian cancer syndrome; Hereditary breast and/or ovarian cancer syndrome. Identifiers: Orphanet 145, MedGen C0677776, MeSH D061325, MONDO:0003582. Disease mechanism: loss of function.
Breast-ovarian cancer, familial, susceptibility to, 1 (BROVCA1). Also called: BRCA1 Hereditary Breast and Ovarian Cancer; OVARIAN CANCER, SUSCEPTIBILITY TO. Identifiers: Orphanet 145, MedGen C2676676, MONDO:0011450, OMIM 604370. Disease mechanism: loss of function.
Malignant tumor of breast. Also called: Malignant breast neoplasm; Cancer breast. Identifiers: MedGen C0006142, MONDO:0007254. Disease mechanism: loss of function.

Allele frequency attached by ClinVar (database versions not stated): TOPMed 0.00003; ESP Exome Variant Server 0.00008.
gnomAD v4.1: 61 of 1,613,910 alleles (0.0038%); highest among the groups gnomAD compares: Non-Finnish European, 0.0041%; no homozygotes.

Submissions (17):

Evidence-based Network for the Interpretation of Germline Mutant Alleles (ENIGMA)
Classification: Benign for Breast-ovarian cancer, familial, susceptibility to, 1. Last evaluated: 2019-06-18. Review status: reviewed by expert panel. Criteria: ENIGMA BRCA1/2 Classification Criteria (2017-06-29). Collection method: curation. Allele origin: germline.
Comment: IARC class based on posterior probability from multifactorial likelihood analysis, thresholds for class as per Plon et al. 2008 (PMID: 18951446). Class 1 based on posterior probability = 0.000263

CeGaT Center for Human Genetics Tuebingen
Classification: Likely benign. Last evaluated: 2026-04-01. Review status: criteria provided, single submitter. Criteria: CeGaT Center For Human Genetics Tuebingen Variant Classification Criteria Version 2. Collection method: clinical testing. Allele origin: germline. Affected: yes. Observed: 1 variant allele. Not counted in ClinVar's aggregate classification.
Comment: BRCA1: BP1

Labcorp Genetics (formerly Invitae), Labcorp
Classification: Likely benign for Hereditary breast ovarian cancer syndrome. Last evaluated: 2025-12-14. Review status: criteria provided, single submitter. Criteria: Invitae Variant Classification Sherloc (09022015). Collection method: clinical testing. Allele origin: germline. Not counted in ClinVar's aggregate classification.

Center for Genomic Medicine, Rigshospitalet, Copenhagen University Hospital
Classification: Benign. Last evaluated: 2025-03-04. Review status: criteria provided, single submitter. Criteria: ACMG Guidelines, 2015. Collection method: clinical testing. Allele origin: germline. Not counted in ClinVar's aggregate classification.

Genomics and Molecular Medicine Service, East Genomic Laboratory Hub, NHS Genomic Medicine Service
Classification: Benign for NICE approved PARP inhibitor treatment. Last evaluated: 2024-06-26. Review status: criteria provided, single submitter. Criteria: ACGS Best Practice Guidelines for Variant Classification in Rare Disease 2020. Collection method: clinical testing. Allele origin: germline. Affected: yes. Not counted in ClinVar's aggregate classification.
Comment: BS3_Strong,BP1,BP5_Very Strong

Women's Health and Genetics/Laboratory Corporation of America, LabCorp
Classification: Likely benign. Last evaluated: 2023-08-28. Review status: criteria provided, single submitter. Criteria: LabCorp Variant Classification Summary - May 2015. Collection method: clinical testing. Allele origin: germline. Not counted in ClinVar's aggregate classification.
Comment: Variant summary: BRCA1 c.2083G>T (p.Asp695Tyr) results in a non-conservative amino acid change in the encoded protein sequence. Three of five in-silico tools predict a damaging effect of the variant on protein function. The variant allele was found at a frequency of 4.7e-05 in 276880 control chromosomes (gnomAD). This frequency is not significantly higher than expected for a pathogenic variant in BRCA1 causing Hereditary Breast and Ovarian Cancer (4.7e-05 vs 1.00e-03), allowing no conclusion about variant significance. This variant, c.2083G>T, has been reported in the literature in individuals affected with Hereditary Breast and Ovarian Cancer (Lu_2012, Anczukow_2008). These report(s) do not provide unequivocal conclusions about association of the variant with Hereditary Breast and Ovarian Cancer. Co-occurrences with other pathogenic variant(s) have been reported (BRCA1: c.5266dup (p.Gln1756ProfsX74) and c.3760A (p.Lys1254X); BRCA2: c.145G>T (p.Glu49X), c.5350_5351delAA (p.Asn1784HisfsX2), and c.1800T>G (p.Tyr600X)), providing supporting evidence for a benign role. The following publications have been ascertained in the context of this evaluation (PMID: 16518693, 22476429, 18273839). Nine submitters have cited clinical-significance assessments for this variant to ClinVar after 2014. All submitters classified the variant as benign/likely benign. Based on the evidence outlined above, the variant was classified as likely benign.

Blueprint Genetics
Classification: Likely benign. Last evaluated: 2021-11-15. Review status: criteria provided, single submitter. Criteria: ACMG Guidelines, 2015. Collection method: clinical testing. Allele origin: germline. Not counted in ClinVar's aggregate classification.

Sema4
Classification: Likely benign for Hereditary cancer-predisposing syndrome. Last evaluated: 2021-10-29. Review status: criteria provided, single submitter. Criteria: Sema4 Curation Guidelines. Collection method: curation. Allele origin: germline. Not counted in ClinVar's aggregate classification.

Quest Diagnostics Nichols Institute San Juan Capistrano
Classification: Likely benign. Last evaluated: 2021-02-13. Review status: criteria provided, single submitter. Criteria: Quest Diagnostics criteria. Collection method: clinical testing. Allele origin: unknown. Not counted in ClinVar's aggregate classification.

Mendelics
Classification: Likely benign for Breast-ovarian cancer, familial, susceptibility to, 1. Last evaluated: 2019-05-28. Review status: criteria provided, single submitter. Criteria: Mendelics Assertion Criteria 2017. Collection method: clinical testing. Allele origin: unknown. Not counted in ClinVar's aggregate classification.

Ambry Genetics
Classification: Likely benign for Hereditary cancer-predisposing syndrome. Last evaluated: 2019-01-08. Review status: criteria provided, single submitter. Criteria: Ambry Variant Classification Scheme 2023. Collection method: clinical testing. Allele origin: germline. Not counted in ClinVar's aggregate classification.

GeneDx
Classification: Likely benign. Last evaluated: 2017-03-20. Review status: criteria provided, single submitter. Criteria: GeneDx Variant Classification (06012015). Collection method: clinical testing. Allele origin: germline. Affected: yes. Not counted in ClinVar's aggregate classification.
Comment: This variant is considered likely benign or benign based on one or more of the following criteria: it is a conservative change, it occurs at a poorly conserved position in the protein, it is predicted to be benign by multiple in silico algorithms, and/or has population frequency not consistent with disease.

Color Diagnostics, LLC DBA Color Health
Classification: Likely benign for Hereditary cancer-predisposing syndrome. Last evaluated: 2016-03-09. Review status: criteria provided, single submitter. Criteria: ACMG Guidelines, 2015. Collection method: clinical testing. Allele origin: germline. Not counted in ClinVar's aggregate classification.

BRCAlab, Lund University
Classification: Benign for Breast-ovarian cancer, familial, susceptibility to, 1. Last evaluated: 2020-03-02. Review status: no assertion criteria provided. Collection method: clinical testing. Allele origin: germline. Affected: yes. Not counted in ClinVar's aggregate classification.

Sharing Clinical Reports Project (SCRP)
Classification: Benign for Breast-ovarian cancer, familial 1. Last evaluated: 2012-05-01. Review status: no assertion criteria provided. Collection method: clinical testing. Allele origin: germline. Not counted in ClinVar's aggregate classification.

Breast Cancer Information Core (BIC) (BRCA1)
Classification: Uncertain significance for Breast-ovarian cancer, familial 1. Last evaluated: 2002-05-29. Review status: no assertion criteria provided. Collection method: clinical testing. Allele origin: germline. Affected: yes. Observed: 2 variant alleles. Not counted in ClinVar's aggregate classification.

Department of Pathology and Laboratory Medicine, Sinai Health System
Classification: Likely benign for Malignant tumor of breast. Review status: no assertion criteria provided. Collection method: clinical testing. Allele origin: unknown. Affected: yes. Observed: 3 variant alleles. Study: The Canadian Open Genetics Repository (COGR). Not counted in ClinVar's aggregate classification.
Comment: The BRCA1 p.Asp695Tyr variant was identified in dbSNP (ID: rs28897681), LOVD, BIC (2X with unknown clinical importance), and UMD (19X as an unclassified variant). In the UMD database, this variant was identified in two samples with a second pathogenic BRCA2 or BRCA1 mutation (BRCA 1 c.3760A>T (p.Lys1254X) and BRCA2 c.5350 5351delAA (p.Asn1784HisfsX2)), increasing the likelihood that this variant does not have clinical significance. The variant was listed in the NHLBI Exome Sequencing project; however it was identified in only one out of 8600 tested European American chromosomes (frequency: 0.0001). The p.Asp695 residue is not conserved in mammals and computational analyses (PolyPhen-2, SIFT, AlignGVGD, BLOSUM) provide inconsistent predictions regarding the impact to the protein; this information is not very predictive of pathogenicity. Three studies predict the variant to affect protein function or confer high risk; however, these predictions are based solely on evolutionary conservation analyses (Burk-Herrick 2006, Fleming 2003, Ramirez 2004). In the HGMD and BIC databases, another variant (c.2083G>A, p.D695N) was also listed with unknown clinical significance, and Greenman (1998) suggests that it may be a polymorphism. In summary, the clinical significance of this variant cannot be determined with certainty at this time, although we would lean towards a more benign role for this variant. This variant is classified as predicted benign.

Literature cited by the submitters: PubMed 31131967 (cited by Evidence-based Network for the Interpretation of Germline Mutant Alleles (ENIGMA) and Quest Diagnostics Nichols Institute San Juan Capistrano); PubMed 16518693 (cited by 3 submitters); PubMed 22476429 (cited by Women's Health and Genetics/Laboratory Corporation of America, LabCorp and Quest Diagnostics Nichols Institute San Juan Capistrano); PubMed 18273839 (cited by Women's Health and Genetics/Laboratory Corporation of America, LabCorp and Quest Diagnostics Nichols Institute San Juan Capistrano); PubMed 12531920 (cited by Quest Diagnostics Nichols Institute San Juan Capistrano and Ambry Genetics); PubMed 15001988 (cited by Ambry Genetics).

NM_007294.4(BRCA1):c.2083G>T (p.Asp695Tyr)

Gene: BRCA1 (BRCA1 DNA repair associated; minus strand). Cytogenetic location: 17q21.31.
Variant type: single nucleotide variant.
Coding change: c.2083G>T on transcript NM_007294.4 (MANE Select); coding-DNA position 2083, G replaced by T.
Protein change: p.Asp695Tyr; replaces aspartic acid 695 with tyrosine.
Molecular consequence: missense variant. On other transcripts: intron variant (137).
Genome position (GRCh38, 1-based): chr17:43,093,448, C>A on the plus strand (G>T on the coding strand, the complement: BRCA1 is on the minus strand). VCF-style: chr17-43093448-C-A. GRCh37 (hg19) VCF-style: chr17-41245465-C-A.
Other names: 2202G>T; c.1870G>T, p.Asp624Tyr (NM_001407571.1, NM_001407915.1, NM_001407853.1 and 9 more transcripts); c.2083G>T, p.Asp695Tyr (NM_001407581.1, NM_001407582.1, NM_001407583.1 and 30 more transcripts); c.2080G>T, p.Asp694Tyr (NM_001407587.1, NM_001407610.1, NM_001407611.1 and 22 more transcripts); c.1957G>T, p.Asp653Tyr (NM_001407649.1, NM_001407670.1, NM_001407671.1 and 11 more transcripts); c.2005G>T, p.Asp669Tyr (NM_001407653.1, NM_001407654.1, NM_001407655.1 and 4 more transcripts); c.2002G>T, p.Asp668Tyr (NM_001407659.1, NM_001407660.1, NM_001407661.1 and 1 more transcripts); c.1960G>T, p.Asp654Tyr (NM_001407674.1, NM_001407675.1, NM_001407676.1 and 19 more transcripts); and 41 more; short protein forms D695Y, D648Y, D527Y, D567Y, D583Y, D584Y, D628Y, D668Y.
Identifiers: ClinVar variation 54456 (VCV000054456.31), dbSNP rs28897681, ClinGen allele CA001384.